The following is an entry in ClinVar:

NM_024675.4(PALB2):c.3428T>A (p.Leu1143His)

Gene: PALB2 (partner and localizer of BRCA2; minus strand). Cytogenetic location: 16p12.2.
Variant type: single nucleotide variant.
Coding change: c.3428T>A on transcript NM_024675.4 (MANE Select); coding-DNA position 3428, T replaced by A.
Protein change: p.Leu1143His; replaces leucine 1143 with histidine.
Molecular consequence: missense variant.
Genome position (GRCh38, 1-based): chr16:23,603,592, A>T on the plus strand (T>A on the coding strand, the complement: PALB2 is on the minus strand). VCF-style: chr16-23603592-A-T. GRCh37 (hg19) VCF-style: chr16-23614913-A-T.
Other names: p.L1143H:CTT>CAT; short protein forms L1143H.
Identifiers: ClinVar variation 126740 (VCV000126740.95), dbSNP rs62625284, ClinGen allele CA288478.

ClinVar aggregate classification (germline): Conflicting classifications of pathogenicity. Review status: criteria provided, conflicting classifications (1 of 4 stars). 25 submissions from 25 submitters: Uncertain significance (9); Benign (2); Likely benign (9). 5 of the submissions do not count toward it. Last evaluated 2026-07-21.

Conditions:
Breast-ovarian cancer, familial, susceptibility to, 5 (BROVCA5). Identifiers: MedGen C5830615, MONDO:0957530, OMIM 620442.
Fanconi anemia complementation group N. Also called: PALB2-Related Fanconi Anemia. Identifiers: Orphanet 84, MedGen C1835817, MONDO:0012565, OMIM 610832. Disease mechanism: loss of function.
Pancreatic cancer, susceptibility to, 3. Identifiers: Orphanet 1333, MedGen C3150547, MONDO:0013236, OMIM 613348.
PALB2-related disorder. Also called: PALB2-related condition; PALB2-related disorders.
Familial cancer of breast. Also called: Hereditary breast cancer; hereditary breast carcinoma; BREAST CANCER, FAMILIAL. Identifiers: Orphanet 227535, MedGen C0346153, MONDO:0016419, OMIM 114480. Disease mechanism: loss of function.
Hereditary cancer-predisposing syndrome. Also called: Tumor predisposition; Hereditary neoplastic syndrome; Neoplastic Syndromes, Hereditary; Hereditary Cancer Syndrome. Identifiers: Orphanet 140162, MedGen C0027672, MeSH D009386, MONDO:0015356.
bilateral breast cancer. Identifiers: MedGen CN235586.

Allele frequency attached by ClinVar (database versions not stated): gnomAD 0.00005 and 0.00006; TOPMed 0.00006; ESP Exome Variant Server 0.00008; gnomAD exomes 0.00017; ExAC 0.00021.
gnomAD v4.1: 234 of 1,614,046 alleles (0.014%); highest among the groups gnomAD compares: Middle Eastern, 0.2%; 1 homozygote.

Submissions 1 to 14 of 25:

PreventionGenetics, part of Exact Sciences
Classification: Likely benign for PALB2-related condition. Last evaluated: 2026-07-21. Review status: criteria provided, single submitter. Criteria: ACMG Guidelines, 2015. Collection method: clinical testing. Allele origin: germline.
Comment: This variant is classified as likely benign based on ACMG/AMP sequence variant interpretation guidelines (Richards et al. 2015 PMID: 25741868, with internal and published modifications).

CeGaT Center for Human Genetics Tuebingen
Classification: Likely benign. Last evaluated: 2026-04-01. Review status: criteria provided, single submitter. Criteria: CeGaT Center For Human Genetics Tuebingen Variant Classification Criteria Version 2. Collection method: clinical testing. Allele origin: germline. Affected: yes. Observed: 3 variant alleles.
Comment: PALB2: BP4, BS3:Supporting

Labcorp Genetics (formerly Invitae), Labcorp
Classification: Likely benign for Familial cancer of breast. Last evaluated: 2026-02-03. Review status: criteria provided, single submitter. Criteria: Invitae Variant Classification Sherloc (09022015). Collection method: clinical testing. Allele origin: germline.

Center for Genomic Medicine, Rigshospitalet, Copenhagen University Hospital
Classification: Benign. Last evaluated: 2025-12-29. Review status: criteria provided, single submitter. Criteria: ACMG Guidelines, 2015. Collection method: clinical testing. Allele origin: germline.

Women's Health and Genetics/Laboratory Corporation of America, LabCorp
Classification: Likely benign. Last evaluated: 2025-12-08. Review status: criteria provided, single submitter. Criteria: LabCorp Variant Classification Summary - May 2015. Collection method: clinical testing. Allele origin: germline.
Comment: Variant summary: PALB2 c.3428T>A (p.Leu1143His) results in a non-conservative amino acid change located in the partner and localiser of BRCA2, WD40 domain (IPR031920) of the encoded protein sequence. Algorithms developed to predict the effect of missense changes on protein structure and function are either unavailable or do not agree on the potential impact of this missense change. The variant allele was found at a frequency of 0.00017 in 251470 control chromosomes, predominantly at a frequency of 0.00027 within the Non-Finnish European subpopulation in the gnomAD database. The observed variant frequency within Non-Finnish European control individuals in the gnomAD database exceeds the estimated maximal expected allele frequency for disease-causing variants in PALB2. c.3428T>A has been observed in individual(s) affected with Hereditary Breast And Ovarian Cancer Syndrome (e.g. Balia_2010, Damiola_2015, Ramus_2015, Thompson_2015, Bonache_2018, Scarpitta_2019, Weitzel_2019, Akcay_2021, Dorling_2021, Moradian_2021, Solmaz_2021, Subasioglu_2023), but it was also detected in unaffected controls (e.g. Akcay_2021, Dorling_2021). These report(s) do not provide unequivocal conclusions about association of the variant with Hereditary Breast And Ovarian Cancer Syndrome. Experimental evidence evaluating an impact on protein function demonstrated the variant had 70% homologous recombination efficiency compared to wild-type and similar relative resistance to PARPi with wild-type (Boonen_2020). The following publications have been ascertained in the context of this evaluation (PMID: 32658311, 20852946, 30306255, 33195396, 22692731, 26564480, 33471991, 33630411, 33558524, 26315354, 40209283, 31512090, 33980423, 36605468, 26283626, 31206626). ClinVar contains an entry for this variant (Variation ID: 126740). Based on the evidence outlined above, the variant was classified as likely benign.

Quest Diagnostics Nichols Institute San Juan Capistrano
Classification: Likely benign. Last evaluated: 2025-07-28. Review status: criteria provided, single submitter. Criteria: Quest Diagnostics criteria. Collection method: clinical testing. Allele origin: unknown.

Mayo Clinic Laboratories, Mayo Clinic
Classification: Likely benign. Last evaluated: 2024-12-22. Review status: criteria provided, single submitter. Criteria: ACMG Guidelines, 2015. Collection method: clinical testing. Allele origin: germline. Observed: 1 variant allele.
Comment: BS1, BS4_moderate, BP1

Blueprint Genetics
Classification: Uncertain significance. Last evaluated: 2024-11-27. Review status: criteria provided, single submitter. Criteria: ACMG Guidelines, 2015. Collection method: clinical testing. Allele origin: germline.

GeneDx
Classification: Uncertain significance. Last evaluated: 2024-11-18. Review status: criteria provided, single submitter. Criteria: GeneDx Variant Classification Process June 2021. Collection method: clinical testing. Allele origin: germline. Affected: yes.
Comment: Published functional studies demonstrate minimal to no impact on protein abundance and activity (PMID: 31757951); In silico analysis supports that this missense variant has a deleterious effect on protein structure/function; This variant is associated with the following publications: (PMID: 33558524, 24448499, 24556926, 26343384, 25186627, 26898890, 26689913, 31422574, 22692731, 20852946, 26283626, 25479140, 26564480, 27067391, 26315354, 27099641, 27878467, 21618343, 29522266, 30455982, 31512090, 34426522, 33630411, 33471991, 33980423, 32658311, 30306255, 33195396, 31451522, 35264596, 31206626, 28944238, 28779002, 20871615, 19609323, 24485656, 36672847, 36605468, 31757951, 34478935, 38918649, 34326862, 39541563)

Department of Pathology and Laboratory Medicine, Sinai Health System
Classification: Likely benign for Fanconi anemia complementation group N; Pancreatic cancer, susceptibility to, 3; Breast-ovarian cancer, familial, susceptibility to, 5. Last evaluated: 2024-07-22. Review status: criteria provided, single submitter. Criteria: ACMG Guidelines, 2015. Collection method: clinical testing. Allele origin: germline.

Revvity Omics, Revvity
Classification: Uncertain significance. Last evaluated: 2024-04-03. Review status: criteria provided, single submitter. Criteria: ACMG Guidelines, 2015. Collection method: clinical testing. Allele origin: germline.

Clinical Genetics Laboratory, Skane University Hospital Lund
Classification: Uncertain significance. Last evaluated: 2023-06-08. Review status: criteria provided, single submitter. Criteria: ACMG Guidelines, 2015. Collection method: clinical testing. Allele origin: germline. Affected: yes.

Myriad Genetics, Inc.
Classification: Benign for Familial cancer of breast. Last evaluated: 2023-03-31. Review status: criteria provided, single submitter. Criteria: Myriad Autosomal Dominant, Autosomal Recessive and X-Linked Classification Criteria (2023). Collection method: clinical testing. Allele origin: unknown.
Comment: This variant is considered benign. Homozygosity for this variant has been confirmed in one or more individuals lacking clinical features consistent with gene-specific recessive disease, indicating that this variant is unlikely to be pathogenic. This variant is strongly associated with less severe personal and family histories of cancer, typical for individuals without pathogenic variants in this gene [PMID: 25085752].

Sema4
Classification: Uncertain significance for Hereditary cancer-predisposing syndrome. Last evaluated: 2022-02-13. Review status: criteria provided, single submitter. Criteria: Sema4 Curation Guidelines. Collection method: curation. Allele origin: germline.
Comment: The PALB2 c.3428T>A (p.L1143H) variant has been reported in heterozygosity in multiple individuals with breast (females and males), ovarian, colorectal or pancreatic cancer (PMID: 31512090, 22692731, 20852946, 27878467, 25479140, 33471991, 33558524, 33980423, 31451522, 26315354, 24556926, 32658311, 31206626,25186627, 29522266, 28944238). This variant has also been observed in unaffected individuals in case-control studies (PMID: 26315354, 24556926, 33471991). This variant was observed in 46/282872 chromosomes across all populations in the large and broad cohorts in the Genome Aggregation Database (PMID: 27535533). The variant has been reported in ClinVar (Variation ID 126740). In silico tools suggest the impact of the variant on protein function is inconclusive. A functional assay evaluating homologous recombination (HR) found that this variant had ~70% HR activity compared to wildtype, but protein expression and resistance to PARP inhibitors was similar to wildtype (PMID: 31757951). The overall evidence is inconsistent with ACMG/AMP requirements for a classification of benign or pathogenic. In summary, the clinical significance of this variant is currently uncertain.